The following is an entry in ClinVar:

NM_000709.4(BCKDHA):c.776C>A (p.Pro259His)

Gene: BCKDHA (branched chain keto acid dehydrogenase E1 subunit alpha; plus strand). Cytogenetic location: 19q13.2.
Variant type: single nucleotide variant.
Coding change: c.776C>A on transcript NM_000709.4 (MANE Select); coding-DNA position 776, C replaced by A.
Protein change: p.Pro259His; replaces proline 259 with histidine.
Molecular consequence: missense variant.
Genome position (GRCh38, 1-based): chr19:41,422,293, C>A. VCF-style: chr19-41422293-C-A. GRCh37 (hg19) VCF-style: chr19-41928198-C-A.
Other names: c.776C>A, p.Pro259His (NM_001164783.2); short protein forms P259H.
Identifiers: ClinVar variation 4708281 (VCV004708281.1).

ClinVar aggregate classification (germline): Pathogenic (1 of 4 stars; one submission).

Conditions:
Maple syrup urine disease (MSUD). Identifiers: Orphanet 511, MedGen C0024776, MeSH D008375, MONDO:0009563. Disease mechanism: loss of function.

Submission:

Labcorp Genetics (formerly Invitae), Labcorp
Classification: Pathogenic for Maple syrup urine disease. Last evaluated: 2025-05-19. Review status: criteria provided, single submitter. Criteria: Invitae Variant Classification Sherloc (09022015). Collection method: clinical testing. Allele origin: germline.
Comment: This sequence change replaces proline, which is neutral and non-polar, with histidine, which is basic and polar, at codon 259 of the BCKDHA protein (p.Pro259His). This variant is not present in population databases (gnomAD no frequency). This missense change has been observed in individual(s) with maple syrup urine disease (internal data). Invitae Evidence Modeling of protein sequence and biophysical properties (such as structural, functional, and spatial information, amino acid conservation, physicochemical variation, residue mobility, and thermodynamic stability) indicates that this missense variant is expected to disrupt BCKDHA protein function with a positive predictive value of 95%. This variant disrupts the p.Pro259 amino acid residue in BCKDHA. Other variant(s) that disrupt this residue have been determined to be pathogenic (internal data). This suggests that this residue is clinically significant, and that variants that disrupt this residue are likely to be disease-causing. For these reasons, this variant has been classified as Pathogenic.